The following is an entry in ClinVar:

NM_005560.6(LAMA5):c.7856C>T (p.Ala2619Val)

Gene: LAMA5 (laminin subunit alpha 5; minus strand). Cytogenetic location: 20q13.33.
Variant type: single nucleotide variant.
Coding change: c.7856C>T on transcript NM_005560.6 (MANE Select); coding-DNA position 7856, C replaced by T.
Protein change: p.Ala2619Val; replaces alanine 2619 with valine.
Molecular consequence: missense variant.
Genome position (GRCh38, 1-based): chr20:62,315,959, G>A on the plus strand (C>T on the coding strand, the complement: LAMA5 is on the minus strand). VCF-style: chr20-62315959-G-A. GRCh37 (hg19) VCF-style: chr20-60891015-G-A.
Other names: short protein forms A2619V.
Identifiers: ClinVar variation 2000224 (VCV002000224.4), dbSNP rs770249004, ClinGen allele CA9941009.

ClinVar aggregate classification (germline): Uncertain significance (1 of 4 stars; one submission).

Allele frequency attached by ClinVar (database versions not stated): gnomAD 0.00001; gnomAD exomes 0.00001; ExAC 0.00008.
gnomAD v4.1: 19 of 1,601,132 alleles (0.0012%); highest among the groups gnomAD compares: South Asian, 0.021%; no homozygotes.

Submission:

Labcorp Genetics (formerly Invitae), Labcorp
Classification: Uncertain significance. Last evaluated: 2022-07-22. Review status: criteria provided, single submitter. Criteria: Invitae Variant Classification Sherloc (09022015). Collection method: clinical testing. Allele origin: germline.
Comment: This variant has not been reported in the literature in individuals affected with LAMA5-related conditions. This variant is present in population databases (rs770249004, gnomAD 0.03%). This sequence change replaces alanine, which is neutral and non-polar, with valine, which is neutral and non-polar, at codon 2619 of the LAMA5 protein (p.Ala2619Val). Algorithms developed to predict the effect of missense changes on protein structure and function (SIFT, PolyPhen-2, Align-GVGD) all suggest that this variant is likely to be tolerated. In summary, the available evidence is currently insufficient to determine the role of this variant in disease. Therefore, it has been classified as a Variant of Uncertain Significance.